The following is an entry in ClinVar:

ClinVar aggregate classification (germline): Uncertain significance (1 of 4 stars; one submission).

Conditions:
Cardiovascular phenotype. Identifiers: MedGen CN230736.

Allele frequency attached by ClinVar (database versions not stated): gnomAD exomes below 0.00001; TOPMed 0.00001.

Submission:

Ambry Genetics
Classification: Uncertain significance for Cardiovascular phenotype. Last evaluated: 2023-12-21. Review status: criteria provided, single submitter. Criteria: Ambry Variant Classification Scheme 2023. Collection method: clinical testing. Allele origin: germline.
Comment: The p.L196V variant (also known as c.586C>G), located in coding exon 3 of the BAG3 gene, results from a C to G substitution at nucleotide position 586. The leucine at codon 196 is replaced by valine, an amino acid with highly similar properties. This amino acid position is not well conserved in available vertebrate species. In addition, this alteration is predicted to be tolerated by in silico analysis. Since supporting evidence is limited at this time, the clinical significance of this alteration remains unclear.

NM_004281.4(BAG3):c.586C>G (p.Leu196Val)

Gene: BAG3 (BAG cochaperone 3; plus strand). Cytogenetic location: 10q26.11.
Variant type: single nucleotide variant.
Coding change: c.586C>G on transcript NM_004281.4 (MANE Select); coding-DNA position 586, C replaced by G.
Protein change: p.Leu196Val; replaces leucine 196 with valine.
Molecular consequence: missense variant.
Genome position (GRCh38, 1-based): chr10:119,672,333, C>G. VCF-style: chr10-119672333-C-G. GRCh37 (hg19) VCF-style: chr10-121431845-C-G.
Other names: short protein forms L196V.
Identifiers: ClinVar variation 3223776 (VCV003223776.1), dbSNP rs1051673569, ClinGen allele CA214221700.